The following is an entry in ClinVar:

NM_001005373.4(LRSAM1):c.2047-4C>T

Gene: LRSAM1 (leucine rich repeat and sterile alpha motif containing 1; plus strand). Cytogenetic location: 9q34.11.
Variant type: single nucleotide variant.
Coding change: c.2047-4C>T on transcript NM_001005373.4 (MANE Select); 4 bases into the intron before coding-DNA position 2047, C replaced by T.
Molecular consequence: intron variant.
Genome position (GRCh38, 1-based): chr9:127,502,770, C>T. VCF-style: chr9-127502770-C-T. GRCh37 (hg19) VCF-style: chr9-130265049-C-T.
Other names: c.2047-4C>T (NM_138361.5, NM_001384142.1, NM_001005374.4); c.1948-4C>T (NM_001384143.1); c.1966-4C>T (NM_001190723.3); c.1258-4C>T (NM_001384144.1).
Identifiers: ClinVar variation 1784984 (VCV001784984.7), dbSNP rs2539470565, ClinGen allele CA2506340681.
Genomic context (GRCh38, chr9:127,502,770, plus strand): 5'-AGACGGGCCTGGGACTCCTGGAACCCGGTAGGGCCAGCCACATGCTCCCGCTCTCCCTCC[C>T]CAGGCCCAGATGATCTTCCTCAACTGTGGCCACGTCTGCTGCTGCCAGCAGTGCTGCCAG-3'

ClinVar aggregate classification (germline): Conflicting classifications of pathogenicity. Review status: criteria provided, conflicting classifications (1 of 4 stars). 2 submissions from 2 submitters: Uncertain significance (1); Likely benign (1). Last evaluated 2022-10-13.

Conditions:
Inborn genetic diseases. Identifiers: MedGen C0950123, MeSH D030342.
Charcot-Marie-Tooth disease axonal type 2P. Also called: Charcot-Marie-Tooth Neuropathy Type 2G; CHARCOT-MARIE-TOOTH DISEASE, AXONAL, TYPE 2G; CMT 2G; CHARCOT-MARIE-TOOTH NEUROPATHY, TYPE 2P. Identifiers: Orphanet 300319, Orphanet 99941, MedGen C3280797, MONDO:0013753, OMIM 614436.

Submissions (2):

Labcorp Genetics (formerly Invitae), Labcorp
Classification: Likely benign for Charcot-Marie-Tooth disease axonal type 2P. Last evaluated: 2022-10-13. Review status: criteria provided, single submitter. Criteria: Invitae Variant Classification Sherloc (09022015). Collection method: clinical testing. Allele origin: germline.

Ambry Genetics
Classification: Uncertain significance for Inborn genetic diseases. Last evaluated: 2021-04-21. Review status: criteria provided, single submitter. Criteria: Ambry Variant Classification Scheme 2023. Collection method: clinical testing. Allele origin: germline.
Comment: The c.2047-4C>T intronic variant results from a C to T substitution 4 nucleotides upstream from coding exon 24 in the LRSAM1 gene. This nucleotide position is poorly conserved in available vertebrate species. In silico splice site analysis predicts that this alteration will not have any significant effect on splicing. Since supporting evidence is limited at this time, the clinical significance of this alteration remains unclear.